The following is an entry in ClinVar:

NM_022114.4(PRDM16):c.1191G>A (p.Glu397=)

Gene: PRDM16 (PR/SET domain 16; plus strand). Cytogenetic location: 1p36.32.
Variant type: single nucleotide variant.
Coding change: c.1191G>A on transcript NM_022114.4 (MANE Select); coding-DNA position 1191, G replaced by A.
Protein change: p.Glu397=; no amino-acid change (glutamic acid 397 retained).
Molecular consequence: synonymous variant.
Genome position (GRCh38, 1-based): chr1:3,411,388, G>A. VCF-style: chr1-3411388-G-A. GRCh37 (hg19) VCF-style: chr1-3327952-G-A.
Other names: c.1191G>A, p.Glu397= (NM_199454.3).
Identifiers: ClinVar variation 681606 (VCV000681606.1), dbSNP rs1569727082, ClinGen allele CA415536324.

ClinVar aggregate classification (germline): Likely benign (1 of 4 stars; one submission).

Allele frequency attached by ClinVar (database versions not stated): gnomAD exomes below 0.00001.
gnomAD v4.1: 1 of 1,600,964 alleles (0.000062%); highest among the groups gnomAD compares: Non-Finnish European, 0.000086%; no homozygotes.

Submission:

GeneDx
Classification: Likely benign. Last evaluated: 2018-04-12. Review status: criteria provided, single submitter. Criteria: GeneDx Variant Classification (06012015). Collection method: clinical testing. Allele origin: germline. Affected: yes.
Comment: This variant is considered likely benign or benign based on one or more of the following criteria: it is a conservative change, it occurs at a poorly conserved position in the protein, it is predicted to be benign by multiple in silico algorithms, and/or has population frequency not consistent with disease.